The following is an entry in ClinVar:

ClinVar aggregate classification (germline): Uncertain significance (1 of 4 stars; one submission).

Allele frequency attached by ClinVar (database versions not stated): gnomAD exomes 0.00001.
gnomAD v4.1: 10 of 1,611,720 alleles (0.00062%); highest among the groups gnomAD compares: Admixed American, 0.0017%; no homozygotes.

Submission:

Labcorp Genetics (formerly Invitae), Labcorp
Classification: Uncertain significance. Last evaluated: 2021-04-02. Review status: criteria provided, single submitter. Criteria: Invitae Variant Classification Sherloc (09022015). Collection method: clinical testing. Allele origin: germline.
Comment: Algorithms developed to predict the effect of missense changes on protein structure and function output the following: SIFT: "Tolerated"; PolyPhen-2: "Benign"; Align-GVGD: "Class C0". The threonine amino acid residue is found in multiple mammalian species, suggesting that this missense change does not adversely affect protein function. These predictions have not been confirmed by published functional studies and their clinical significance is uncertain. This variant has not been reported in the literature in individuals with LAMC3-related conditions. This variant is not present in population databases (ExAC no frequency). This sequence change replaces alanine with threonine at codon 1089 of the LAMC3 protein (p.Ala1089Thr). The alanine residue is moderately conserved and there is a small physicochemical difference between alanine and threonine. In summary, the available evidence is currently insufficient to determine the role of this variant in disease. Therefore, it has been classified as a Variant of Uncertain Significance.

NM_006059.4(LAMC3):c.3265G>A (p.Ala1089Thr)

Gene: LAMC3 (laminin subunit gamma 3; plus strand). Cytogenetic location: 9q34.12.
Variant type: single nucleotide variant.
Coding change: c.3265G>A on transcript NM_006059.4 (MANE Select); coding-DNA position 3265, G replaced by A.
Protein change: p.Ala1089Thr; replaces alanine 1089 with threonine.
Molecular consequence: missense variant.
Genome position (GRCh38, 1-based): chr9:131,072,683, G>A. VCF-style: chr9-131072683-G-A. GRCh37 (hg19) VCF-style: chr9-133948070-G-A.
Other names: short protein forms A1089T.
Identifiers: ClinVar variation 1522309 (VCV001522309.8), dbSNP rs1379630176, ClinGen allele CA375258652.